The following is an entry in ClinVar:

NM_001267550.2(TTN):c.27752dup (p.Tyr9251Ter)

Gene: TTN (titin; minus strand). Cytogenetic location: 2q31.2.
Variant type: Duplication.
Coding change: c.27752dup on transcript NM_001267550.2 (MANE Select); coding-DNA position 27752, one base duplicated (A; older notation c.27752dupA).
Protein change: p.Tyr9251Ter; replaces tyrosine 9251 with a stop codon.
Molecular consequence: nonsense. On other transcripts: intron variant (3).
Genome position (GRCh38, 1-based): chr2:178,712,078, T duplicated on the plus strand (A on the coding strand, the reverse complement: TTN is on the minus strand). VCF-style (leftmost placement, unchanged base first): chr2-178712077-G-GT. GRCh37 (hg19) VCF-style: chr2-179576804-G-GT.
Other names: c.26801dup, p.Tyr8934Ter (NM_001256850.1); c.24020dup, p.Tyr8007Ter (NM_133378.4); c.13282+26004dup (NM_003319.4); c.13858+26004dup (NM_133437.4); c.13657+26004dup (NM_133432.3); short protein forms Y8007*, Y8934*, Y9251*.
Identifiers: ClinVar variation 3364871 (VCV003364871.1).

ClinVar aggregate classification (germline): Uncertain significance (1 of 4 stars; one submission).

Submission:

GeneDx
Classification: Uncertain significance. Last evaluated: 2023-11-24. Review status: criteria provided, single submitter. Criteria: GeneDx Variant Classification Process June 2021. Collection method: clinical testing. Allele origin: germline. Affected: yes.
Comment: Not observed at significant frequency in large population cohorts (gnomAD); Nonsense variant predicted to result in protein truncation or nonsense mediated decay in a gene or region of a gene for which loss of function is not a well-established mechanism of disease; Has not been previously published as pathogenic or benign to our knowledge